The following is an entry in ClinVar:

ClinVar aggregate classification (germline): Conflicting classifications of pathogenicity. Review status: criteria provided, conflicting classifications (1 of 4 stars). 4 submissions from 4 submitters: Uncertain significance (1); Benign (1); Likely benign (2). Last evaluated 2025-07-23.

Conditions:
Hereditary cancer-predisposing syndrome. Also called: Tumor predisposition; Neoplastic Syndromes, Hereditary; Hereditary Cancer Syndrome; Hereditary neoplastic syndrome. Identifiers: Orphanet 140162, MedGen C0027672, MeSH D009386, MONDO:0015356.
Familial cancer of breast. Also called: Hereditary breast cancer; BREAST CANCER, FAMILIAL; hereditary breast carcinoma. Identifiers: Orphanet 227535, MedGen C0346153, MONDO:0016419, OMIM 114480. Disease mechanism: loss of function.

Allele frequency attached by ClinVar (database versions not stated): gnomAD exomes below 0.00001; ExAC 0.00001; gnomAD 0.00001; TOPMed 0.00002.
gnomAD v4.1: 1 of 1,582,506 alleles (0.000063%); highest among the groups gnomAD compares: African/African-American, 0.0013%; no homozygotes.

Submissions (4):

Labcorp Genetics (formerly Invitae), Labcorp
Classification: Likely benign for Familial cancer of breast. Last evaluated: 2025-07-23. Review status: criteria provided, single submitter. Criteria: Invitae Variant Classification Sherloc (09022015). Collection method: clinical testing. Allele origin: germline.

Myriad Genetics, Inc.
Classification: Benign for Familial cancer of breast. Last evaluated: 2024-10-07. Review status: criteria provided, single submitter. Criteria: Myriad Autosomal Dominant, Autosomal Recessive and X-Linked Classification Criteria (2023). Collection method: clinical testing. Allele origin: unknown.
Comment: This variant is considered benign. This variant is a silent/synonymous amino acid change and it is not expected to impact splicing.

Quest Diagnostics Nichols Institute San Juan Capistrano
Classification: Uncertain significance. Last evaluated: 2024-05-08. Review status: criteria provided, single submitter. Criteria: Quest Diagnostics criteria. Collection method: clinical testing. Allele origin: unknown.
Comment: The CHEK2 c.1269G>T (p.Gly423=) synonymous variant has not been reported in individuals with CHEK2-related conditions in the published literature. The frequency of this variant in the general population, 0.000004 (1/250414 chromosomes (Genome Aggregation Database)), is uninformative in the assessment of its pathogenicity. Analysis of this variant using software algorithms for the prediction of the effect of nucleotide changes on CHEK2 mRNA splicing yielded inconclusive findings. Based on the available information, we are unable to determine the clinical significance of this variant.

Ambry Genetics
Classification: Likely benign for Hereditary cancer-predisposing syndrome. Last evaluated: 2016-06-20. Review status: criteria provided, single submitter. Criteria: Ambry Variant Classification Scheme 2023. Collection method: clinical testing. Allele origin: germline.

NM_007194.4(CHEK2):c.1269G>T (p.Gly423=)

Gene: CHEK2 (checkpoint kinase 2; minus strand). Cytogenetic location: 22q12.1.
Variant type: single nucleotide variant.
Coding change: c.1269G>T on transcript NM_007194.4 (MANE Select); coding-DNA position 1269, G replaced by T.
Protein change: p.Gly423=; no amino-acid change (glycine 423 retained).
Molecular consequence: synonymous variant.
Genome position (GRCh38, 1-based): chr22:28,695,233, C>A on the plus strand (G>T on the coding strand, the complement: CHEK2 is on the minus strand). VCF-style: chr22-28695233-C-A. GRCh37 (hg19) VCF-style: chr22-29091221-C-A.
Other names: c.1398G>T, p.Gly466= (NM_001005735.3); c.606G>T, p.Gly202= (NM_001257387.3); c.1068G>T, p.Gly356= (NM_001349956.3); c.1182G>T, p.Gly394= (NM_145862.3).
Identifiers: ClinVar variation 240735 (VCV000240735.19), dbSNP rs749368980, ClinGen allele CA10167684.